The following is an entry in ClinVar:

ClinVar aggregate classification (germline): Pathogenic (1 of 4 stars; one submission).

Conditions:
Developmental and epileptic encephalopathy, 37 (DEE37). Also called: Epileptic encephalopathy, early infantile, 37. Identifiers: MedGen C4310770, MONDO:0014859, OMIM 616981.

Submission:

Labcorp Genetics (formerly Invitae), Labcorp
Classification: Pathogenic for Developmental and epileptic encephalopathy, 37. Last evaluated: 2022-05-27. Review status: criteria provided, single submitter. Criteria: Invitae Variant Classification Sherloc (09022015). Collection method: clinical testing. Allele origin: germline.
Comment: For these reasons, this variant has been classified as Pathogenic. Experimental studies have shown that a similar copy number variant affects FRRS1L function (PMID: 30692144). Algorithms developed to predict the effect of variants on protein structure and function are not available or were not evaluated for this variant. This variant has not been reported in the literature in individuals affected with FRRS1L-related conditions. This variant is a gross deletion of the genomic region encompassing exon(s) 3 of the FRRS1L gene. This deletion is out-of-frame, and is expected to create a premature termination codon and result in an absent or disrupted protein product. Loss-of-function variants in FRRS1L are known to be pathogenic (PMID: 27236917).

Literature cited by the submitters: PubMed 30692144; PubMed 27236917.

NC_000009.12:g.(?_109147031)_(109147209_?)del

Gene: FRRS1L (ferric chelate reductase 1 like; minus strand). Cytogenetic location: 9q31.3.
Variant type: Deletion.
Identifiers: ClinVar variation 831493 (VCV000831493.10).